The following is an entry in ClinVar:

ClinVar aggregate classification (germline): Benign/Likely benign. Review status: criteria provided, multiple submitters, no conflicts (2 of 4 stars). 2 submissions from 2 submitters: Benign (1); Likely benign (1). Last evaluated 2026-01-01.

Conditions:
Melnick-Needles syndrome (MNS). Also called: Melnick-Needles Syndrome (FLNA-MNS); MELNICK-NEEDLES OSTEODYSPLASTY; OSTEODYSPLASTY OF MELNICK AND NEEDLES. Identifiers: Orphanet 2484, MedGen C0025237, MONDO:0010650, OMIM 309350.
Frontometaphyseal dysplasia (FMD1). Identifiers: Orphanet 1826, MedGen C0265293, MONDO:0015942.
Heterotopia, periventricular, X-linked dominant (PVNH1). Also called: PERIVENTRICULAR NODULAR HETEROTOPIA 4; HETEROTOPIA, PERIVENTRICULAR, 1; X-linked periventricular heterotopia; PERIVENTRICULAR NODULAR HETEROTOPIA 1. Identifiers: Orphanet 2149, Orphanet 82004, MedGen C1848213, MONDO:0010233, OMIM 300049.
Oto-palato-digital syndrome, type II (OPD2). Also called: Otopalatodigital Syndrome, Type II; Otopalatodigital Syndrome Type 2 (FLNA-OPD2); FACIOPALATOOSSEOUS SYNDROME; OPD II SYNDROME. Identifiers: Orphanet 669, Orphanet 90652, MedGen C1844696, MONDO:0010571, OMIM 304120.

Allele frequency attached by ClinVar (database versions not stated): gnomAD exomes 0.00001 and 0.00002; ExAC 0.00002; TOPMed 0.00003; gnomAD 0.00004; 1000 Genomes Project 30x 0.00042; 1000 Genomes Project 0.00053.
gnomAD v4.1: 24 of 1,211,048 alleles (0.002%); highest among the groups gnomAD compares: African/African-American, 0.0052%; no homozygotes.

Submissions (2):

CeGaT Center for Human Genetics Tuebingen
Classification: Likely benign. Last evaluated: 2026-01-01. Review status: criteria provided, single submitter. Criteria: CeGaT Center For Human Genetics Tuebingen Variant Classification Criteria Version 2. Collection method: clinical testing. Allele origin: germline. Affected: yes. Observed: 1 variant allele.
Comment: FLNA: BP4, BS2

Labcorp Genetics (formerly Invitae), Labcorp
Classification: Benign for Oto-palato-digital syndrome, type II; Heterotopia, periventricular, X-linked dominant; Frontometaphyseal dysplasia; Melnick-Needles syndrome. Last evaluated: 2025-07-30. Review status: criteria provided, single submitter. Criteria: Invitae Variant Classification Sherloc (09022015). Collection method: clinical testing. Allele origin: germline.

NM_001110556.2(FLNA):c.5161G>A (p.Val1721Ile)

Gene: FLNA (filamin A; minus strand). Cytogenetic location: Xq28.
Variant type: single nucleotide variant.
Coding change: c.5161G>A on transcript NM_001110556.2 (MANE Select); coding-DNA position 5161, G replaced by A.
Protein change: p.Val1721Ile; replaces valine 1721 with isoleucine.
Molecular consequence: missense variant.
Genome position (GRCh38, 1-based): chrX:154,354,881, C>T on the plus strand (G>A on the coding strand, the complement: FLNA is on the minus strand). VCF-style: chrX-154354881-C-T. GRCh37 (hg19) VCF-style: chrX-153583249-C-T.
Other names: c.5137G>A, p.Val1713Ile (NM_001456.4); short protein forms V1713I, V1721I.
Identifiers: ClinVar variation 957033 (VCV000957033.12), dbSNP rs187497365, ClinGen allele CA10560378.